The following is an entry in ClinVar:

NM_014491.4(FOXP2):c.*2818G>C

Gene: FOXP2 (forkhead box P2; plus strand). Cytogenetic location: 7q31.1.
Variant type: single nucleotide variant.
Coding change: c.*2818G>C on transcript NM_014491.4 (MANE Select); 2818 bases downstream of the stop codon, G replaced by C.
Molecular consequence: 3 prime UTR variant. On other transcripts: non-coding transcript variant (2).
Genome position (GRCh38, 1-based): chr7:114,692,744, G>C. VCF-style: chr7-114692744-G-C. GRCh37 (hg19) VCF-style: chr7-114332799-G-C.
Other names: c.*2818G>C (NM_001172766.3, NM_148898.4, NM_148900.4).
Identifiers: ClinVar variation 358658 (VCV000358658.6), dbSNP rs532545326, ClinGen allele CA4446485.

ClinVar aggregate classification (germline): Benign. Review status: criteria provided, multiple submitters, no conflicts (2 of 4 stars). 2 submissions from 2 submitters: Benign (2). Last evaluated 2018-01-13.

Conditions:
Childhood apraxia of speech (SPCH1). Also called: DEVELOPMENTAL VERBAL DYSPRAXIA; Speech language disorder; FOXP2-Related Speech and Language Disorder; SPEECH AND LANGUAGE DISORDER WITH OROFACIAL DYSPRAXIA. Identifiers: Orphanet 209908, MedGen C0750927, MONDO:0011184, OMIM 602081.

Allele frequency attached by ClinVar (database versions not stated): gnomAD 0.00020 and 0.00031; TOPMed 0.00026; 1000 Genomes Project 0.00060; gnomAD exomes 0.00071 and 0.00106; 1000 Genomes Project 30x 0.00078; ExAC 0.00276.
gnomAD v4.1: 347 of 445,632 alleles (0.078%); highest among the groups gnomAD compares: South Asian, 0.42%; 5 homozygotes.

Submissions (2):

Illumina Laboratory Services, Illumina
Classification: Benign for Childhood apraxia of speech. Last evaluated: 2018-01-13. Review status: criteria provided, single submitter. Criteria: ICSL Variant Classification Criteria 13 December 2019. Collection method: clinical testing. Allele origin: germline.
Comment: This variant was observed in the ICSL laboratory as part of a predisposition screen in an ostensibly healthy population. It had not been previously curated by ICSL or reported in the Human Gene Mutation Database (HGMD: prior to June 1st, 2018), and was therefore a candidate for classification through an automated scoring system. Utilizing variant allele frequency, disease prevalence and penetrance estimates, and inheritance mode, an automated score was calculated to assess if this variant is too frequent to cause the disease. Based on the score and internal cut-off values, a variant classified as benign is not then subjected to further curation. The score for this variant resulted in a classification of benign for this disease.

Breakthrough Genomics
Classification: Benign. Review status: criteria provided, single submitter. Criteria: ACMG Guidelines, 2015. Collection method: not provided. Allele origin: germline. Inheritance: Autosomal dominant inheritance. Affected: yes.